The following is an entry in ClinVar:

ClinVar aggregate classification (germline): Likely benign (1 of 4 stars; one submission).

gnomAD v4.1: 38 of 1,612,980 alleles (0.0024%); highest among the groups gnomAD compares: Admixed American, 0.053%; no homozygotes.

Submission:

CeGaT Center for Human Genetics Tuebingen
Classification: Likely benign. Last evaluated: 2025-12-01. Review status: criteria provided, single submitter. Criteria: CeGaT Center For Human Genetics Tuebingen Variant Classification Criteria Version 2. Collection method: clinical testing. Allele origin: germline. Affected: yes. Observed: 1 variant allele.
Comment: TMEM218: BP4, BP7

NM_001258244.2(TMEM218):c.33C>T (p.Gly11=)

Gene: TMEM218 (transmembrane protein 218; minus strand). Cytogenetic location: 11q24.2.
Variant type: single nucleotide variant.
Coding change: c.33C>T on transcript NM_001258244.2 (MANE Select); coding-DNA position 33, C replaced by T.
Protein change: p.Gly11=; no amino-acid change (glycine 11 retained).
Molecular consequence: synonymous variant. On other transcripts: non-coding transcript variant (6), intron variant (5).
Genome position (GRCh38, 1-based): chr11:125,102,209, G>A on the plus strand (C>T on the coding strand, the complement: TMEM218 is on the minus strand). VCF-style: chr11-125102209-G-A. GRCh37 (hg19) VCF-style: chr11-124972105-G-A.
Other names: c.33C>T, p.Gly11= (NM_001387246.1, NM_001387247.1, NM_001387248.1 and 26 more transcripts); c.138C>T, p.Gly46= (NM_001387255.1, NM_001387256.1, NM_001387257.1 and 2 more transcripts); c.29+428C>T (NM_001387250.1, NM_001387253.1, NM_001387252.1 and 2 more transcripts).
Identifiers: ClinVar variation 4534247 (VCV004534247.6).